The following is an entry in ClinVar:

NM_031844.3(HNRNPU):c.2232_2240dup (p.Gly748_Ile749insSerGlyGly)

Gene: HNRNPU (heterogeneous nuclear ribonucleoprotein U; minus strand). Cytogenetic location: 1q44.
Variant type: Duplication.
Coding change: c.2232_2240dup on transcript NM_031844.3 (MANE Select); coding-DNA positions 2232 to 2240, 9 bases duplicated (AGGAAGTGG; older notation c.2232_2240dupAGGAAGTGG).
Protein change: p.Gly748_Ile749insSerGlyGly.
Molecular consequence: inframe insertion.
Genome position (GRCh38, 1-based): chr1:244,855,536-244,855,544, CCACTTCCT duplicated on the plus strand (AGGAAGTGG on the coding strand, the reverse complement: HNRNPU is on the minus strand); duplicating any 9 consecutive bases within chr1:244,855,536-244,855,548 gives the same sequence; the c. name uses the placement nearest the transcript's 3' end. VCF-style (leftmost placement, unchanged base first): chr1-244855535-A-ACCACTTCCT. GRCh37 (hg19) VCF-style: chr1-245018837-A-ACCACTTCCT.
Other names: c.2175_2183dup, p.Gly729_Ile730insSerGlyGly (NM_004501.3).
Identifiers: ClinVar variation 4811055 (VCV004811055.1).
Genomic context (GRCh38, chr1:244,855,535, plus strand): 5'-GTTTGAGTAACTACCACGGCCAGGAAAAACAGGGGCACGAGGGTATGGATAGCCGATTCC[A>ACCACTTCCT]CCACTTCCTCCACCGCCACCACCTCTCTGTGGCATGTTGCCCCTCCTATTATATCCGCCA-3'

ClinVar aggregate classification (germline): Uncertain significance (1 of 4 stars; one submission).

Conditions:
Developmental and epileptic encephalopathy, 54. Also called: Epileptic encephalopathy, early infantile, 54; HNRNPU-Related Neurodevelopmental Disorder. Identifiers: MedGen C4479319, MONDO:0033363, OMIM 617391.

Submission:

Labcorp Genetics (formerly Invitae), Labcorp
Classification: Uncertain significance for Developmental and epileptic encephalopathy, 54. Last evaluated: 2026-02-01. Review status: criteria provided, single submitter. Criteria: Invitae Variant Classification Sherloc (09022015). Collection method: clinical testing. Allele origin: germline.
Comment: This variant, c.2232_2240dup, results in the insertion of 3 amino acid(s) of the HNRNPU protein (p.Ser746_Gly748dup), but otherwise preserves the integrity of the reading frame. This variant is not present in population databases (gnomAD no frequency). This variant has not been reported in the literature in individuals affected with HNRNPU-related conditions. In summary, the available evidence is currently insufficient to determine the role of this variant in disease. Therefore, it has been classified as a Variant of Uncertain Significance.